The following is an entry in ClinVar:

NM_177438.3(DICER1):c.3785C>G (p.Pro1262Arg)

Gene: DICER1 (dicer 1, ribonuclease III; minus strand). Cytogenetic location: 14q32.13.
Variant type: single nucleotide variant.
Coding change: c.3785C>G on transcript NM_177438.3 (MANE Select); coding-DNA position 3785, C replaced by G.
Protein change: p.Pro1262Arg; replaces proline 1262 with arginine.
Molecular consequence: missense variant. On other transcripts: non-coding transcript variant (6).
Genome position (GRCh38, 1-based): chr14:95,103,611, G>C on the plus strand (C>G on the coding strand, the complement: DICER1 is on the minus strand). VCF-style: chr14-95103611-G-C. GRCh37 (hg19) VCF-style: chr14-95569948-G-C.
Other names: c.3785C>G, p.Pro1262Arg (NM_001195573.1, NM_001271282.3, NM_001291628.2 and 13 more transcripts); c.3503C>G, p.Pro1168Arg (NM_001395686.1); c.3380C>G, p.Pro1127Arg (NM_001395687.1, NM_001395688.1, NM_001395689.1 and 2 more transcripts); c.3218C>G, p.Pro1073Arg (NM_001395691.1); c.2102C>G, p.Pro701Arg (NM_001395697.1); short protein forms P1073R, P1127R, P1168R, P1262R, P701R.
Identifiers: ClinVar variation 2630009 (VCV002630009.2), dbSNP rs1595364864, ClinGen allele CA390873475.

ClinVar aggregate classification (germline): Uncertain significance. Review status: criteria provided, multiple submitters, no conflicts (2 of 4 stars). 2 submissions from 2 submitters: Uncertain significance (2). Last evaluated 2024-11-28.

Conditions:
Hereditary cancer-predisposing syndrome. Also called: Tumor predisposition; Neoplastic Syndromes, Hereditary; Hereditary neoplastic syndrome; Hereditary Cancer Syndrome. Identifiers: Orphanet 140162, MedGen C0027672, MeSH D009386, MONDO:0015356.
DICER1-related disorder. Also called: DICER1-related condition.

gnomAD v4.1: 1 of 1,614,164 alleles (0.000062%); highest among the groups gnomAD compares: East Asian, 0.0022%; no homozygotes.

Submissions (2):

Ambry Genetics
Classification: Uncertain significance for Hereditary cancer-predisposing syndrome. Last evaluated: 2024-11-28. Review status: criteria provided, single submitter. Criteria: Ambry Variant Classification Scheme 2023. Collection method: clinical testing. Allele origin: germline.
Comment: The p.P1262R variant (also known as c.3785C>G), located in coding exon 20 of the DICER1 gene, results from a C to G substitution at nucleotide position 3785. The proline at codon 1262 is replaced by arginine, an amino acid with dissimilar properties. This amino acid position is conserved. In addition, the in silico prediction for this alteration is inconclusive. Based on the available evidence, the clinical significance of this variant remains unclear.

PreventionGenetics, part of Exact Sciences
Classification: Uncertain significance for DICER1-related condition. Last evaluated: 2023-01-11. Review status: criteria provided, single submitter. Criteria: ACMG Guidelines, 2015. Collection method: clinical testing. Allele origin: germline.
Comment: The DICER1 c.3785C>G variant is predicted to result in the amino acid substitution p.Pro1262Arg. To our knowledge, this variant has not been reported in the literature or in a large population database, indicating this variant is rare. At this time, the clinical significance of this variant is uncertain due to the absence of conclusive functional and genetic evidence.